The following is an entry in ClinVar:

NM_004304.5(ALK):c.625C>T (p.Arg209Cys)

Gene: ALK (ALK receptor tyrosine kinase; minus strand). Cytogenetic location: 2p23.1.
Variant type: single nucleotide variant.
Coding change: c.625C>T on transcript NM_004304.5 (MANE Select); coding-DNA position 625, C replaced by T.
Protein change: p.Arg209Cys; replaces arginine 209 with cysteine.
Molecular consequence: missense variant.
Genome position (GRCh38, 1-based): chr2:29,920,035, G>A on the plus strand (C>T on the coding strand, the complement: ALK is on the minus strand). VCF-style: chr2-29920035-G-A. GRCh37 (hg19) VCF-style: chr2-30142901-G-A.
Other names: c.625C>T (NM_004304.4); short protein forms R209C.
Identifiers: ClinVar variation 2676138 (VCV002676138.2), dbSNP rs1365924896, ClinGen allele CA346589663.

ClinVar aggregate classification (germline): Uncertain significance. Review status: criteria provided, multiple submitters, no conflicts (2 of 4 stars). 2 submissions from 2 submitters: Uncertain significance (2). Last evaluated 2025-06-24.

Conditions:
Hereditary cancer-predisposing syndrome. Also called: Tumor predisposition; Neoplastic Syndromes, Hereditary; Hereditary Cancer Syndrome; Hereditary neoplastic syndrome. Identifiers: Orphanet 140162, MedGen C0027672, MeSH D009386, MONDO:0015356.
Neuroblastoma, susceptibility to, 3. Also called: ALK-Related Neuroblastic Tumor Susceptibility. Identifiers: Orphanet 635, MedGen C2751681, MONDO:0013083, OMIM 613014.

Submissions (2):

Ambry Genetics
Classification: Uncertain significance for Hereditary cancer-predisposing syndrome. Last evaluated: 2025-06-24. Review status: criteria provided, single submitter. Criteria: Ambry Variant Classification Scheme 2023. Collection method: clinical testing. Allele origin: germline.
Comment: The p.R209C variant (also known as c.625C>T), located in coding exon 1 of the ALK gene, results from a C to T substitution at nucleotide position 625. The arginine at codon 209 is replaced by cysteine, an amino acid with highly dissimilar properties. This amino acid position is conserved. In addition, this alteration is predicted to be deleterious by in silico analysis. Based on the available evidence, the clinical significance of this variant remains unclear.

Baylor Genetics
Classification: Uncertain significance for Neuroblastoma, susceptibility to, 3. Last evaluated: 2023-07-20. Review status: criteria provided, single submitter. Criteria: ACMG Guidelines, 2015. Collection method: clinical testing. Allele origin: unknown.